The following is an entry in ClinVar:

NM_000329.3(RPE65):c.1338+3A>T

Gene: RPE65 (retinoid isomerohydrolase RPE65; minus strand). Cytogenetic location: 1p31.3.
Variant type: single nucleotide variant.
Coding change: c.1338+3A>T on transcript NM_000329.3 (MANE Select); 3 bases into the intron after coding-DNA position 1338, A replaced by T.
Molecular consequence: intron variant.
Genome position (GRCh38, 1-based): chr1:68,431,279, T>A on the plus strand (A>T on the coding strand, the complement: RPE65 is on the minus strand). VCF-style: chr1-68431279-T-A. GRCh37 (hg19) VCF-style: chr1-68896962-T-A.
Identifiers: ClinVar variation 933978 (VCV000933978.7), dbSNP rs1645824066, ClinGen allele CA1139655497.

ClinVar aggregate classification (germline): Uncertain significance (1 of 4 stars; one submission).

Conditions:
Leber congenital amaurosis 2 (LCA2). Also called: AMAUROSIS CONGENITA OF LEBER II; Autosomal Recessive RPE65-Related Retinal Degeneration. Identifiers: Orphanet 65, MedGen C1859844, MONDO:0008765, OMIM 204100. Disease mechanism: loss of function.
Retinitis pigmentosa 20 (RP20). Identifiers: Orphanet 791, MedGen C3151086, MONDO:0013425, OMIM 613794.

gnomAD v4.1: 1 of 1,613,496 alleles (0.000062%); highest among the groups gnomAD compares: Non-Finnish European, 0.000085%; no homozygotes.

Submission:

Labcorp Genetics (formerly Invitae), Labcorp
Classification: Uncertain significance for Leber congenital amaurosis 2; Retinitis pigmentosa 20. Last evaluated: 2019-10-15. Review status: criteria provided, single submitter. Criteria: Invitae Variant Classification Sherloc (09022015). Collection method: clinical testing. Allele origin: germline.
Comment: In summary, the available evidence is currently insufficient to determine the role of this variant in disease. Therefore, it has been classified as a Variant of Uncertain Significance. Nucleotide substitutions within the consensus splice site are a relatively common cause of aberrant splicing (PMID: 17576681, 9536098). Algorithms developed to predict the effect of sequence changes on RNA splicing suggest that this variant may disrupt the consensus splice site, but this prediction has not been confirmed by published transcriptional studies. This variant has not been reported in the literature in individuals with RPE65-related conditions. This variant is not present in population databases (ExAC no frequency). This sequence change falls in intron 12 of the RPE65 gene. It does not directly change the encoded amino acid sequence of the RPE65 protein, but it affects a nucleotide within the consensus splice site of the intron.

Literature cited by the submitters: PubMed 17576681; PubMed 9536098.